The following is an entry in ClinVar:

ClinVar aggregate classification (germline): Benign/Likely benign. Review status: criteria provided, multiple submitters, no conflicts (2 of 4 stars). 3 submissions from 3 submitters: Benign (1); Likely benign (1). 1 of the submissions does not count toward it. Last evaluated 2025-12-28.

Conditions:
FAT1-related disorder. Also called: FAT1-related condition.

Allele frequency attached by ClinVar (database versions not stated): ESP Exome Variant Server 0.00016; 1000 Genomes Project 30x 0.00078; 1000 Genomes Project 0.00100.
gnomAD v4.1: 212 of 1,613,952 alleles (0.013%); highest among the groups gnomAD compares: East Asian, 0.35%; 1 homozygote.

Submissions (3):

Labcorp Genetics (formerly Invitae), Labcorp
Classification: Benign. Last evaluated: 2025-12-28. Review status: criteria provided, single submitter. Criteria: Invitae Variant Classification Sherloc (09022015). Collection method: clinical testing. Allele origin: germline.

Blueprint Genetics
Classification: Likely benign. Last evaluated: 2024-11-19. Review status: criteria provided, single submitter. Criteria: ACMG Guidelines, 2015. Collection method: clinical testing. Allele origin: germline.

PreventionGenetics, part of Exact Sciences
Classification: Likely benign for FAT1-related condition. Last evaluated: 2019-08-09. Review status: no assertion criteria provided. Collection method: clinical testing. Allele origin: germline. Not counted in ClinVar's aggregate classification.
Comment: This variant is classified as likely benign based on ACMG/AMP sequence variant interpretation guidelines (Richards et al. 2015 PMID: 25741868, with internal and published modifications).

NM_005245.4(FAT1):c.11997C>T (p.Ile3999=)

Gene: FAT1 (FAT atypical cadherin 1; minus strand). Cytogenetic location: 4q35.2.
Variant type: single nucleotide variant.
Coding change: c.11997C>T on transcript NM_005245.4 (MANE Select); coding-DNA position 11997, C replaced by T.
Protein change: p.Ile3999=; no amino-acid change (isoleucine 3999 retained).
Molecular consequence: synonymous variant.
Genome position (GRCh38, 1-based): chr4:186,600,004, G>A on the plus strand (C>T on the coding strand, the complement: FAT1 is on the minus strand). VCF-style: chr4-186600004-G-A. GRCh37 (hg19) VCF-style: chr4-187521158-G-A.
Other names: c.11997C>T (NM_005245.3).
Identifiers: ClinVar variation 1608534 (VCV001608534.11), dbSNP rs188825200, ClinGen allele CA3164978.